The following is an entry in ClinVar:

NM_003749.3(IRS2):c.2850C>A (p.Ser950=)

Gene: IRS2 (insulin receptor substrate 2; minus strand). Cytogenetic location: 13q34.
Variant type: single nucleotide variant.
Coding change: c.2850C>A on transcript NM_003749.3 (MANE Select); coding-DNA position 2850, C replaced by A.
Protein change: p.Ser950=; no amino-acid change (serine 950 retained).
Molecular consequence: synonymous variant.
Genome position (GRCh38, 1-based): chr13:109,783,204, G>T on the plus strand (C>A on the coding strand, the complement: IRS2 is on the minus strand). VCF-style: chr13-109783204-G-T. GRCh37 (hg19) VCF-style: chr13-110435551-G-T.
Identifiers: ClinVar variation 2643933 (VCV002643933.24), dbSNP rs34889228, ClinGen allele CA7046262.

ClinVar aggregate classification (germline): Likely benign (1 of 4 stars; one submission).

Allele frequency attached by ClinVar (database versions not stated): 1000 Genomes Project 0.00040; 1000 Genomes Project 30x 0.00047; ESP Exome Variant Server 0.00058; gnomAD 0.00174; ExAC 0.00521.
gnomAD v4.1: 4,164 of 1,413,026 alleles (0.29%); highest among the groups gnomAD compares: Non-Finnish European, 0.36%; 10 homozygotes.

Submission:

CeGaT Center for Human Genetics Tuebingen
Classification: Likely benign. Last evaluated: 2023-04-01. Review status: criteria provided, single submitter. Criteria: CeGaT Center For Human Genetics Tuebingen Variant Classification Criteria Version 2. Collection method: clinical testing. Allele origin: germline. Affected: yes. Observed: 1 variant allele.
Comment: IRS2: BP4, BP7